The following is an entry in ClinVar:

ClinVar aggregate classification (germline): Conflicting classifications of pathogenicity. Review status: criteria provided, conflicting classifications (1 of 4 stars). 9 submissions from 9 submitters: Uncertain significance (6); Benign (1). 2 of the submissions do not count toward it. Last evaluated 2024-01-14.

Conditions:
KIF7-related ciliopathy spectrum disorder.
Acrocallosal syndrome (ACLS). Also called: HALLUX DUPLICATION, POSTAXIAL POLYDACTYLY, AND ABSENCE OF CORPUS CALLOSUM; Schinzel syndrome 1; Absence of corpus callosum with unusual facial appearance, mental deficiency, duplication of the halluces and polydactyly. Identifiers: Orphanet 36, MedGen C0796147, MONDO:0008708, OMIM 200990.
KIF7-related disorder. Also called: KIF7-related condition.
Multiple epiphyseal dysplasia, Al-Gazali type. Also called: Macrocephaly with multiple epiphyseal dysplasia and distinctive facies. Identifiers: Orphanet 166024, MedGen C1846722, MONDO:0011778, OMIM 607131.
Hydrolethalus syndrome 2 (HLS2). Identifiers: Orphanet 2189, MedGen C3279899, MONDO:0013585, OMIM 614120.

Allele frequency attached by ClinVar (database versions not stated): gnomAD exomes 0.00004 and 0.00011; ExAC 0.00014; gnomAD 0.00050 and 0.00053; TOPMed 0.00057; 1000 Genomes Project 0.00060; 1000 Genomes Project 30x 0.00062.
gnomAD v4.1: 141 of 1,551,792 alleles (0.0091%); highest among the groups gnomAD compares: African/African-American, 0.17%; no homozygotes.

Submissions (9):

Fulgent Genetics
Classification: Uncertain significance for Acrocallosal syndrome; Multiple epiphyseal dysplasia, Al-Gazali type; Hydrolethalus syndrome 2. Last evaluated: 2024-01-14. Review status: criteria provided, single submitter. Criteria: ACMG Guidelines, 2015. Collection method: clinical testing. Allele origin: germline.

Blueprint Genetics
Classification: Benign. Last evaluated: 2023-09-04. Review status: criteria provided, single submitter. Criteria: ACMG Guidelines, 2015. Collection method: clinical testing. Allele origin: germline.

Greenwood Genetic Center Diagnostic Laboratories, Greenwood Genetic Center
Classification: Uncertain significance. Last evaluated: 2023-06-06. Review status: criteria provided, single submitter. Criteria: ACMG Guidelines, 2015. Collection method: clinical testing. Allele origin: germline. Affected: yes.
Comment: PM2

Labcorp Genetics (formerly Invitae), Labcorp
Classification: Uncertain significance for Acrocallosal syndrome. Last evaluated: 2022-09-27. Review status: criteria provided, single submitter. Criteria: Invitae Variant Classification Sherloc (09022015). Collection method: clinical testing. Allele origin: germline.
Comment: This sequence change replaces arginine, which is basic and polar, with glutamine, which is neutral and polar, at codon 154 of the KIF7 protein (p.Arg154Gln). This variant is present in population databases (rs180758272, gnomAD 0.2%). This missense change has been observed in individual(s) with acrocallosal syndrome (PMID: 26174511). ClinVar contains an entry for this variant (Variation ID: 463144). Advanced modeling of protein sequence and biophysical properties (such as structural, functional, and spatial information, amino acid conservation, physicochemical variation, residue mobility, and thermodynamic stability) performed at Invitae indicates that this missense variant is not expected to disrupt KIF7 protein function. In summary, the available evidence is currently insufficient to determine the role of this variant in disease. Therefore, it has been classified as a Variant of Uncertain Significance.

GeneDx
Classification: Uncertain significance. Last evaluated: 2020-09-15. Review status: criteria provided, single submitter. Criteria: GeneDx Variant Classification Process June 2021. Collection method: clinical testing. Allele origin: germline. Affected: yes.
Comment: Reported previously in the heterozygous state with a second KIF7 variant in an individual with features of acrocallosal syndrome (Tunovic et al., 2015).; In silico analysis supports that this missense variant has a deleterious effect on protein structure/function; This variant is associated with the following publications: (PMID: 26633542, 25131622, 26174511)

Illumina Laboratory Services, Illumina
Classification: Uncertain significance for KIF7-related ciliopathy spectrum disorder. Last evaluated: 2019-10-29. Review status: criteria provided, single submitter. Criteria: ICSLVariantClassificationCriteria RUGD 01 April 2020. Collection method: clinical testing. Allele origin: unknown.
Comment: The KIF7 c.461G>A (p.Arg154Gln) missense variant has been reported in one study in which it is identified in a heterozygous state of unknown inheritance in one individual with KIF7-related ciliopathy spectrum disorder. The affected individual also carried a second missense variant in the KIF7 gene in a heterozygous state, which was shown to be maternally inherited. Paternal DNA was not available for testing (Tunovic et al. 2015). The p.Arg154Gln variant is reported at a frequency of 0.001560 in the African population of the Genome Aggregation Database in a region of good sequence coverage. The Arg154 residue is located in the kinesin motor domain. Based on the limited evidence, the p.Arg154Gln variant is classified as a variant of unknown significance for KIF7-related ciliopathy spectrum disorder.

Eurofins Ntd Llc (ga)
Classification: Uncertain significance. Last evaluated: 2018-06-21. Review status: criteria provided, single submitter. Criteria: EGL ClinVar v180209 classification definitions. Collection method: clinical testing. Allele origin: germline. Observed: 1 variant allele, 1 heterozygote.

PreventionGenetics, part of Exact Sciences
Classification: Uncertain significance for KIF7-related condition. Last evaluated: 2024-09-06. Review status: no assertion criteria provided. Collection method: clinical testing. Allele origin: germline. Not counted in ClinVar's aggregate classification.
Comment: The KIF7 c.461G>A variant is predicted to result in the amino acid substitution p.Arg154Gln. This variant has been reported in the literature in patients with the KIF7-related disease (for example, see Srivastava et al. 2014. PubMed ID: 25131622) This variant is reported in 0.16% of alleles in individuals of African descent in gnomAD. At this time, the clinical significance of this variant is uncertain due to the absence of conclusive functional and genetic evidence.

Department of Pathology and Laboratory Medicine, Sinai Health System
Classification: Uncertain significance. Review status: no assertion criteria provided. Collection method: clinical testing. Allele origin: unknown. Affected: yes. Study: The Canadian Open Genetics Repository (COGR). Not counted in ClinVar's aggregate classification.
Comment: The KIF7 p.Arg154Gln variant was identified in two individuals with neurodevelopmental features similar to acrocallosal syndrome (Tunovic_2015_PMID:26174511; Srivastava_2014_PMID:25131622). These individuals were compound heterozygous for the KIF7 p.Arg154Gln variant and either p.Glu987Lys or p.E987K. The variant was identified in dbSNP (ID: rs180758272) and ClinVar (classified as uncertain significance by Invitae and EGL Genetic Diagnostics). The variant was identified in control databases in 31 of 188318 chromosomes at a frequency of 0.0001646 (Genome Aggregation Database March 6, 2019, v2.1.1). The variant was observed in the following populations: African in 26 of 16664 chromosomes (freq: 0.00156), Latino in 3 of 25532 chromosomes (freq: 0.000118) and European (non-Finnish) in 2 of 76266 chromosomes (freq: 0.000026), but was not observed in the Ashkenazi Jewish, East Asian, European (Finnish), Other, or South Asian populations. The p.Arg154 residue is conserved in mammals and computational analyses (PolyPhen-2, SIFT, AlignGVGD, BLOSUM, MutationTaster) provide inconsistent predictions regarding the impact to the protein; this information is not very predictive of pathogenicity. The variant occurs outside of the splicing consensus sequence and in silico or computational prediction software programs (SpliceSiteFinder, MaxEntScan, NNSPLICE, GeneSplicer) do not predict a difference in splicing. In summary, based on the above information the clinical significance of this variant cannot be determined with certainty at this time. This variant is classified as a variant of uncertain significance.

Literature cited by the submitters: PubMed 26174511 (cited by 3 submitters); PubMed 26633542 (cited by Eurofins Ntd Llc (ga)); PubMed 25131622 (cited by Eurofins Ntd Llc (ga)).

NM_198525.3(KIF7):c.461G>A (p.Arg154Gln)

Gene: KIF7 (kinesin family member 7; minus strand). Cytogenetic location: 15q26.1.
Variant type: single nucleotide variant.
Coding change: c.461G>A on transcript NM_198525.3 (MANE Select); coding-DNA position 461, G replaced by A.
Protein change: p.Arg154Gln; replaces arginine 154 with glutamine.
Molecular consequence: missense variant.
Genome position (GRCh38, 1-based): chr15:89,649,809, C>T on the plus strand (G>A on the coding strand, the complement: KIF7 is on the minus strand). VCF-style: chr15-89649809-C-T. GRCh37 (hg19) VCF-style: chr15-90193040-C-T.
Other names: short protein forms R154Q.
Identifiers: ClinVar variation 463144 (VCV000463144.18), dbSNP rs180758272, ClinGen allele CA7728633.